The following is an entry in ClinVar:

ClinVar aggregate classification (germline): Uncertain significance (1 of 4 stars; one submission).

Conditions:
Epidermodysplasia verruciformis. Identifiers: Orphanet 302, MedGen C0014522, MONDO:0009176.

Submission:

Labcorp Genetics (formerly Invitae), Labcorp
Classification: Uncertain significance for Epidermodysplasia verruciformis. Last evaluated: 2020-02-21. Review status: criteria provided, single submitter. Criteria: Invitae Variant Classification Sherloc (09022015). Collection method: clinical testing. Allele origin: germline.
Comment: This variant is not present in population databases (ExAC no frequency). In summary, the available evidence is currently insufficient to determine the role of this variant in disease. Therefore, it has been classified as a Variant of Uncertain Significance. Experimental studies and prediction algorithms are not available or were not evaluated, and the functional significance of this variant is currently unknown. This variant has not been reported in the literature in individuals with TMC8-related conditions. This variant, c.1234_1236del, results in the deletion of 1 amino acid(s) of the TMC8 protein (p.Asn412del), but otherwise preserves the integrity of the reading frame.

NM_152468.5(TMC8):c.1234_1236del (p.Asn412del)

Gene: TMC8 (transmembrane channel like 8; plus strand). Cytogenetic location: 17q25.3.
Variant type: Deletion.
Coding change: c.1234_1236del on transcript NM_152468.5 (MANE Select); coding-DNA positions 1234 to 1236, 3 bases deleted (AAC; older notation c.1234_1236delAAC).
Protein change: p.Asn412del; deletes asparagine 412.
Molecular consequence: inframe deletion.
Genome position (GRCh38, 1-based): chr17:78,137,341-78,137,343, AAC deleted; deleting any 3 consecutive bases within chr17:78,137,339-78,137,343 gives the same sequence; the c. name uses the placement nearest the transcript's 3' end. VCF-style (leftmost placement, unchanged base first): chr17-78137338-TACA-T. GRCh37 (hg19) VCF-style: chr17-76133419-TACA-T.
Other names: short protein forms N412del.
Identifiers: ClinVar variation 1004954 (VCV001004954.9), dbSNP rs2075259264, ClinGen allele CA2276817476.
Genomic context (GRCh38, chr17:78,137,338, plus strand): 5'-TCCCTGGGTCAGACCATACTGTGCATTGGCAGAGACAAGAGCAGCTGTGAGTCCTACGGC[TACA>T]ACGTTTGTGACTATCAGGTGGCTGGCAGCCCGGCGGGGCCTGTCCCTCCCTTCCTTCTCC-3'